The following is an entry in ClinVar:

NM_000116.5(TAFAZZIN):c.647G>T (p.Gly216Val)

Gene: TAFAZZIN (tafazzin, phospholipid-lysophospholipid transacylase; plus strand). Cytogenetic location: Xq28.
Variant type: single nucleotide variant.
Coding change: c.647G>T on transcript NM_000116.5 (MANE Select); coding-DNA position 647, G replaced by T.
Protein change: p.Gly216Val; replaces glycine 216 with valine.
Molecular consequence: missense variant. On other transcripts: non-coding transcript variant (1).
Genome position (GRCh38, 1-based): chrX:154,420,212, G>T. VCF-style: chrX-154420212-G-T. GRCh37 (hg19) VCF-style: chrX-153648551-G-T.
Other names: c.659G>T, p.Gly220Val (NM_001303465.2); c.557G>T, p.Gly186Val (NM_181311.4); c.605G>T, p.Gly202Val (NM_181312.4); c.515G>T, p.Gly172Val (NM_181313.4); short protein forms G216V, G172V, G220V, G186V, G202V.
Identifiers: ClinVar variation 177990 (VCV000177990.6), dbSNP rs727504431, ClinGen allele CA273540.

ClinVar aggregate classification (germline): Likely pathogenic (1 of 4 stars; one submission).

Conditions:
3-Methylglutaconic aciduria type 2 (BTHS). Also called: CARDIOSKELETAL MYOPATHY WITH NEUTROPENIA AND ABNORMAL MITOCHONDRIA; Barth syndrome. Identifiers: Orphanet 111, MedGen C0574083, MONDO:0010543, OMIM 302060.
Primary dilated cardiomyopathy (DCM). Also called: Dilated Cardiomyopathy. Identifiers: Orphanet 217604, MedGen C0007193, MeSH D002311, MONDO:0005021, HP:0001644. Inheritance: Various modes of inheritance.

Submissions (2):

Laboratory for Molecular Medicine, Mass General Brigham Personalized Medicine
Classification: Likely pathogenic for Primary dilated cardiomyopathy; 3-Methylglutaconic aciduria type 2. Last evaluated: 2012-01-27. Review status: criteria provided, single submitter. Criteria: LMM Criteria. Collection method: clinical testing. Allele origin: germline. Observed: 2 variant alleles.
Comment: The Gly216Val variant (TAZ) has not been reported in the literature nor previous ly identified by our laboratory. Glycine (Gly) at position 216 is highly conserv ed across evolutionarily distant species, increasing the likelihood that a chang e would not be tolerated. This is consistent with another pathogenic variant at this codon (Gly216Arg) that has been identified in individuals with Barth syndro me (D'Adamo 1997, Kuijpers 2004, Takeda 2011). In addition, computational tools (Polyphen2, SIFT) predict that a change to Glycine (Gly) would impact the protei n, though their accuracy is unknown. In summary, the available evidence for this variant supports a pathogenic role although additional data is needed to establ ish this with certainty.

Dr. Peter K. Rogan Lab, Western University
No classification provided (evidence only). Condition: Thyroid cancer, nonmedullary, 1. Review status: no classification provided. Collection method: in vitro. Allele origin: not applicable. Functional consequence: retained intron. Not counted in ClinVar's aggregate classification.